The following is an entry in ClinVar:

ClinVar aggregate classification (germline): Uncertain significance. Review status: criteria provided, multiple submitters, no conflicts (2 of 4 stars). 4 submissions from 4 submitters: Uncertain significance (3). 1 of the submissions does not count toward it. Last evaluated 2025-12-05.

Conditions:
Kabuki syndrome. Also called: Kabuki make-up syndrome; NIIKAWA-KUROKI SYNDROME. Identifiers: Orphanet 2322, MedGen C0796004, MONDO:0016512.
Kabuki syndrome 1 (KABUK1). Also called: KMT2D-Related Kabuki Syndrome. Identifiers: Orphanet 2322, MedGen CN030661, MONDO:0007843, OMIM 147920.
KMT2D-related disorder. Also called: KMT2D-Related Disorders.

Allele frequency attached by ClinVar (database versions not stated): gnomAD exomes 0.00001; TOPMed 0.00002; gnomAD 0.00004.
gnomAD v4.1: 26 of 1,613,856 alleles (0.0016%); highest among the groups gnomAD compares: Non-Finnish European, 0.0021%; no homozygotes.

Submissions (4):

Labcorp Genetics (formerly Invitae), Labcorp
Classification: Uncertain significance for Kabuki syndrome. Last evaluated: 2025-12-05. Review status: criteria provided, single submitter. Criteria: Invitae Variant Classification Sherloc (09022015). Collection method: clinical testing. Allele origin: germline.
Comment: This sequence change replaces arginine, which is basic and polar, with cysteine, which is neutral and slightly polar, at codon 1524 of the KMT2D protein (p.Arg1524Cys). This variant is present in population databases (no rsID available, gnomAD 0.0008%). This variant has not been reported in the literature in individuals affected with KMT2D-related conditions. ClinVar contains an entry for this variant (Variation ID: 445556). Invitae Evidence Modeling of protein sequence and biophysical properties (such as structural, functional, and spatial information, amino acid conservation, physicochemical variation, residue mobility, and thermodynamic stability) has been performed for this missense variant. However, the output from this modeling did not meet the statistical confidence thresholds required to predict the impact of this variant on KMT2D protein function. In summary, the available evidence is currently insufficient to determine the role of this variant in disease. Therefore, it has been classified as a Variant of Uncertain Significance.

Baylor Genetics
Classification: Uncertain significance for Kabuki syndrome 1. Last evaluated: 2019-05-03. Review status: criteria provided, single submitter. Criteria: ACMG Guidelines, 2015. Collection method: clinical testing. Allele origin: maternal. Affected: yes.
Comment: This variant was determined to be of uncertain significance according to ACMG Guidelines, 2015 [PMID:25741868].

Center for Pediatric Genomic Medicine, Children's Mercy Hospital and Clinics
Classification: Uncertain significance. Last evaluated: 2017-05-01. Review status: criteria provided, single submitter. Criteria: ACMG Guidelines, 2015. Collection method: clinical testing. Allele origin: germline.

PreventionGenetics, part of Exact Sciences
Classification: Uncertain significance for KMT2D-related condition. Last evaluated: 2024-09-23. Review status: no assertion criteria provided. Collection method: clinical testing. Allele origin: germline. Not counted in ClinVar's aggregate classification.
Comment: The KMT2D c.4570C>T variant is predicted to result in the amino acid substitution p.Arg1524Cys. To our knowledge, this variant has not been reported in the literature. However, in gnomAD v4 (available only on GRCh38), this variant is reported in 26 alleles globally, which is likely too common for a highly penetrant pathogenic variant. Although we suspect this variant is benign, at this time, the clinical significance of this variant is uncertain due to the absence of conclusive functional and genetic evidence.

NM_003482.4(KMT2D):c.4570C>T (p.Arg1524Cys)

Gene: KMT2D (lysine methyltransferase 2D; minus strand). Cytogenetic location: 12q13.12.
Variant type: single nucleotide variant.
Coding change: c.4570C>T on transcript NM_003482.4 (MANE Select); coding-DNA position 4570, C replaced by T.
Protein change: p.Arg1524Cys; replaces arginine 1524 with cysteine.
Molecular consequence: missense variant.
Genome position (GRCh38, 1-based): chr12:49,046,273, G>A on the plus strand (C>T on the coding strand, the complement: KMT2D is on the minus strand). VCF-style: chr12-49046273-G-A. GRCh37 (hg19) VCF-style: chr12-49440056-G-A.
Other names: short protein forms R1524C.
Identifiers: ClinVar variation 445556 (VCV000445556.11), dbSNP rs1411795103, ClinGen allele CA384645015.